The following is an entry in ClinVar:

ClinVar aggregate classification (germline): Uncertain significance (1 of 4 stars; one submission).

Submission:

Labcorp Genetics (formerly Invitae), Labcorp
Classification: Uncertain significance. Last evaluated: 2025-10-08. Review status: criteria provided, single submitter. Criteria: Invitae Variant Classification Sherloc (09022015). Collection method: clinical testing. Allele origin: germline.
Comment: This sequence change creates a premature translational stop signal (p.Asp298Thrfs*104) in the CRAT gene. It is expected to result in an absent or disrupted protein product. However, the current clinical and genetic evidence is not sufficient to establish whether loss-of-function variants in CRAT cause disease. This variant is not present in population databases (gnomAD no frequency). This variant has not been reported in the literature in individuals affected with CRAT-related conditions. In summary, the available evidence is currently insufficient to determine the role of this variant in disease. Therefore, it has been classified as a Variant of Uncertain Significance.

NM_000755.5(CRAT):c.892_898del (p.Asp298fs)

Gene: CRAT (carnitine O-acetyltransferase; minus strand). Cytogenetic location: 9q34.11.
Variant type: Deletion.
Coding change: c.892_898del on transcript NM_000755.5 (MANE Select); coding-DNA positions 892 to 898, 7 bases deleted (GACGTGT; older notation c.892_898delGACGTGT).
Protein change: p.Asp298fs; shifts the reading frame from aspartic acid 298.
Molecular consequence: frameshift variant.
Genome position (GRCh38, 1-based): chr9:129,100,597-129,100,603, ACACGTC deleted on the plus strand (GACGTGT on the coding strand, the reverse complement: CRAT is on the minus strand). VCF-style (leftmost placement, unchanged base first): chr9-129100596-TACACGTC-T. GRCh37 (hg19) VCF-style: chr9-131862875-TACACGTC-T.
Other names: c.829_835del, p.Asp277fs (NM_001257363.3, NM_001346548.2, NM_004003.4); c.895_901del, p.Asp299fs (NM_001346546.2); c.892_898del, p.Asp298fs (NM_001346547.2); c.772_778del, p.Asp258fs (NM_001346549.2); short protein forms D299fs, D298fs, D277fs, D258fs.
Identifiers: ClinVar variation 4728380 (VCV004728380.1).
Genomic context (GRCh38, chr9:129,100,596, plus strand): 5'-TTGCCGCTGTTGAGCCTGCTGCCGCCCCCATGCAGCATCTGGCCTGCCACGTGGCTGCGG[TACACGTC>T]TTCTGAGACCCTGGGCATGGTTGCATCTAGGCACACGGTGAAGATGCTCTTCTGGATGGA-3'